The following is an entry in ClinVar:

ClinVar aggregate classification (germline): Likely benign. Review status: criteria provided, multiple submitters, no conflicts (2 of 4 stars). 4 submissions from 4 submitters: Likely benign (4). Last evaluated 2025-10-03.

Conditions:
Familial thoracic aortic aneurysm and aortic dissection (TAAD). Also called: Thoracic aortic aneurysms and dissections. Identifiers: Orphanet 91387, MedGen C4707243, MONDO:0019625.
Aortic aneurysm, familial thoracic 4 (AAT4). Also called: AORTIC ANEURYSM/AORTIC DISSECTION AND PATENT DUCTUS ARTERIOSUS. Identifiers: MedGen C1851504, MONDO:0007568, OMIM 132900.

Allele frequency attached by ClinVar (database versions not stated): TOPMed below 0.00001.
gnomAD v4.1: 23 of 1,606,246 alleles (0.0014%); highest among the groups gnomAD compares: Non-Finnish European, 0.0019%; no homozygotes.

Submissions (4):

Labcorp Genetics (formerly Invitae), Labcorp
Classification: Likely benign for Aortic aneurysm, familial thoracic 4. Last evaluated: 2025-10-03. Review status: criteria provided, single submitter. Criteria: Invitae Variant Classification Sherloc (09022015). Collection method: clinical testing. Allele origin: germline.

All of Us Research Program, National Institutes of Health
Classification: Likely benign for Familial thoracic aortic aneurysm and aortic dissection. Last evaluated: 2023-05-16. Review status: criteria provided, single submitter. Criteria: ACMG Guidelines, 2015. Collection method: clinical testing. Allele origin: germline. Inheritance: Autosomal dominant inheritance. Observed: 1 variant allele, 1 heterozygote.
Comment: This study involves interpretation of variants in research participants for the purpose of population health screening. Participant phenotype was not available at the time of variant classification. Additional details can be found in publication PMID: 35346344, PMCID: PMC8962531

Ambry Genetics
Classification: Likely benign for Familial thoracic aortic aneurysm and aortic dissection. Last evaluated: 2021-02-20. Review status: criteria provided, single submitter. Criteria: Ambry Variant Classification Scheme 2023. Collection method: clinical testing. Allele origin: germline.

Color Diagnostics, LLC DBA Color Health
Classification: Likely benign for Familial thoracic aortic aneurysm and aortic dissection. Last evaluated: 2020-03-16. Review status: criteria provided, single submitter. Criteria: ACMG Guidelines, 2015. Collection method: clinical testing. Allele origin: germline.

NM_002474.3(MYH11):c.5232G>A (p.Glu1744=)

Genes: MYH11 (myosin heavy chain 11; minus strand), NDE1 (nudE neurodevelopment protein 1; plus strand). Cytogenetic location: 16p13.11.
Variant type: single nucleotide variant.
Coding change: c.5232G>A on transcript NM_002474.3 (MANE Select); coding-DNA position 5232, G replaced by A.
Protein change: p.Glu1744=; no amino-acid change (glutamic acid 1744 retained).
Molecular consequence: synonymous variant. On other transcripts: intron variant (2).
Genome position (GRCh38, 1-based): chr16:15,718,378, C>T on the plus strand (G>A on the coding strand, the complement: MYH11 is on the minus strand). VCF-style: chr16-15718378-C-T. GRCh37 (hg19) VCF-style: chr16-15812235-C-T.
Other names: c.5253G>A, p.Glu1751= (NM_001040113.2, NM_001040114.2); c.5232G>A, p.Glu1744= (NM_022844.3); c.948-5813C>T (NM_001143979.2, NM_017668.3).
Identifiers: ClinVar variation 758450 (VCV000758450.14), dbSNP rs1596709576, ClinGen allele CA493752752.